The following is an entry in ClinVar:

ClinVar aggregate classification (germline): Uncertain significance. Review status: criteria provided, multiple submitters, no conflicts (2 of 4 stars). 4 submissions from 4 submitters: Uncertain significance (3). 1 of the submissions does not count toward it. Last evaluated 2025-11-25.

Conditions:
Inborn genetic diseases. Identifiers: MedGen C0950123, MeSH D030342.
WDR81-related disorder. Also called: WDR81-related condition.

Allele frequency attached by ClinVar (database versions not stated): TOPMed 0.00002.
gnomAD v4.1: 6 of 1,533,314 alleles (0.00039%); highest among the groups gnomAD compares: East Asian, 0.0049%; no homozygotes.

Submissions (4):

Women's Health and Genetics/Laboratory Corporation of America, LabCorp
Classification: Uncertain significance. Last evaluated: 2025-11-25. Review status: criteria provided, single submitter. Criteria: LabCorp Variant Classification Summary - May 2015. Collection method: clinical testing. Allele origin: germline.
Comment: Variant summary: WDR81 c.1285G>T (p.Ala429Ser) results in a conservative amino acid change in the encoded protein sequence. Algorithms developed to predict the effect of missense changes on protein structure and function all suggest that this variant is likely to be tolerated. The variant allele was found at a frequency of 7e-06 in 141868 control chromosomes. The available data on variant occurrences in the general population are insufficient to allow any conclusion about variant significance. To our knowledge, no occurrence of c.1285G>T in individuals affected with WDR81-related conditions and no experimental evidence demonstrating its impact on protein function have been reported. ClinVar contains an entry for this variant (Variation ID: 2219095). Based on the evidence outlined above, the variant was classified as uncertain significance.

GeneDx
Classification: Uncertain significance. Last evaluated: 2024-08-30. Review status: criteria provided, single submitter. Criteria: GeneDx Variant Classification Process June 2021. Collection method: clinical testing. Allele origin: germline. Affected: yes.
Comment: Not observed at significant frequency in large population cohorts (gnomAD); In silico analysis supports that this missense variant does not alter protein structure/function; Has not been previously published as pathogenic or benign to our knowledge

Ambry Genetics
Classification: Uncertain significance for Inborn genetic diseases. Last evaluated: 2022-05-26. Review status: criteria provided, single submitter. Criteria: Ambry Variant Classification Scheme 2023. Collection method: clinical testing. Allele origin: germline.

PreventionGenetics, part of Exact Sciences
Classification: Uncertain significance for WDR81-related condition. Last evaluated: 2024-01-19. Review status: no assertion criteria provided. Collection method: clinical testing. Allele origin: germline. Not counted in ClinVar's aggregate classification.
Comment: The WDR81 c.1285G>T variant is predicted to result in the amino acid substitution p.Ala429Ser. To our knowledge, this variant has not been reported in the literature. This variant is reported in 0.0% of alleles in individuals of African descent in gnomAD. At this time, the clinical significance of this variant is uncertain due to the absence of conclusive functional and genetic evidence.

NM_001163809.2(WDR81):c.1285G>T (p.Ala429Ser)

Gene: WDR81 (WD repeat domain 81; plus strand). Cytogenetic location: 17p13.3.
Variant type: single nucleotide variant.
Coding change: c.1285G>T on transcript NM_001163809.2 (MANE Select); coding-DNA position 1285, G replaced by T.
Protein change: p.Ala429Ser; replaces alanine 429 with serine.
Molecular consequence: missense variant. On other transcripts: intron variant (3).
Genome position (GRCh38, 1-based): chr17:1,726,244, G>T. VCF-style: chr17-1726244-G-T. GRCh37 (hg19) VCF-style: chr17-1629538-G-T.
Other names: c.-123-1746G>T (NM_152348.4); c.59-4136G>T (NM_001163673.2); c.-15+1458G>T (NM_001163811.2); short protein forms A429S.
Identifiers: ClinVar variation 2219095 (VCV002219095.6), dbSNP rs941926076, ClinGen allele CA286868948.